The following is an entry in ClinVar:

NM_015213.4(DENND5A):c.2840A>G (p.Asn947Ser)

Gene: DENND5A (DENN domain containing 5A; minus strand). Cytogenetic location: 11p15.4.
Variant type: single nucleotide variant.
Coding change: c.2840A>G on transcript NM_015213.4 (MANE Select); coding-DNA position 2840, A replaced by G.
Protein change: p.Asn947Ser; replaces asparagine 947 with serine.
Molecular consequence: missense variant. On other transcripts: non-coding transcript variant (1).
Genome position (GRCh38, 1-based): chr11:9,147,047, T>C on the plus strand (A>G on the coding strand, the complement: DENND5A is on the minus strand). VCF-style: chr11-9147047-T-C. GRCh37 (hg19) VCF-style: chr11-9168594-T-C.
Other names: c.2840A>G (NM_015213.3); c.2840A>G, p.Asn947Ser (NM_001243254.2); c.2768A>G, p.Asn923Ser (NM_001348749.2); c.2552A>G, p.Asn851Ser (NM_001348750.2); short protein forms N851S, N923S, N947S.
Identifiers: ClinVar variation 1299881 (VCV001299881.10), dbSNP rs779865474, ClinGen allele CA5877215.

ClinVar aggregate classification (germline): Conflicting classifications of pathogenicity. Review status: criteria provided, conflicting classifications (1 of 4 stars). 7 submissions from 7 submitters: Uncertain significance (4); Likely benign (1). 2 of the submissions do not count toward it. Last evaluated 2024-12-28.

Conditions:
Inborn genetic diseases. Identifiers: MedGen C0950123, MeSH D030342.
Developmental and epileptic encephalopathy, 49 (DEE49). Also called: Epileptic encephalopathy, early infantile, 49. Identifiers: MedGen C4310635, MONDO:0015002, OMIM 617281.

Allele frequency attached by ClinVar (database versions not stated): gnomAD exomes 0.00004 and 0.00006; ExAC 0.00006; gnomAD 0.00006; TOPMed 0.00008.

Submissions (7):

Ambry Genetics
Classification: Likely benign for Inborn genetic diseases. Last evaluated: 2024-12-28. Review status: criteria provided, single submitter. Criteria: Ambry Variant Classification Scheme 2023. Collection method: clinical testing. Allele origin: germline.

Labcorp Genetics (formerly Invitae), Labcorp
Classification: Uncertain significance. Last evaluated: 2024-10-16. Review status: criteria provided, single submitter. Criteria: Invitae Variant Classification Sherloc (09022015). Collection method: clinical testing. Allele origin: germline.
Comment: This sequence change replaces asparagine, which is neutral and polar, with serine, which is neutral and polar, at codon 947 of the DENND5A protein (p.Asn947Ser). This variant is present in population databases (rs779865474, gnomAD 0.01%). This variant has not been reported in the literature in individuals affected with DENND5A-related conditions. ClinVar contains an entry for this variant (Variation ID: 1299881). Invitae Evidence Modeling of protein sequence and biophysical properties (such as structural, functional, and spatial information, amino acid conservation, physicochemical variation, residue mobility, and thermodynamic stability) indicates that this missense variant is not expected to disrupt DENND5A protein function with a negative predictive value of 80%. In summary, the available evidence is currently insufficient to determine the role of this variant in disease. Therefore, it has been classified as a Variant of Uncertain Significance.

Blueprint Genetics
Classification: Uncertain significance. Last evaluated: 2023-08-02. Review status: criteria provided, single submitter. Criteria: ACMG Guidelines, 2015. Collection method: clinical testing. Allele origin: germline.

GeneDx
Classification: Uncertain significance. Last evaluated: 2023-05-11. Review status: criteria provided, single submitter. Criteria: GeneDx Variant Classification Process June 2021. Collection method: clinical testing. Allele origin: germline. Affected: yes.
Comment: In silico analysis supports that this missense variant has a deleterious effect on protein structure/function; Has not been previously published as pathogenic or benign to our knowledge

New York Genome Center
Classification: Uncertain significance for Developmental and epileptic encephalopathy, 49. Last evaluated: 2021-05-14. Review status: criteria provided, single submitter. Criteria: NYGC Assertion Criteria 2020. Collection method: clinical testing. Allele origin: germline. Observed: 1 variant allele. Study: CSER-NYCKidSeq.

Clinical Genetics DNA and cytogenetics Diagnostics Lab, Erasmus MC, Erasmus Medical Center
Classification: Uncertain significance. Review status: no assertion criteria provided. Collection method: clinical testing. Allele origin: germline. Affected: yes. Study: VKGL Data-share Consensus. Not counted in ClinVar's aggregate classification.

Diagnostic Laboratory, Department of Genetics, University Medical Center Groningen
Classification: Uncertain significance. Review status: no assertion criteria provided. Collection method: clinical testing. Allele origin: germline. Affected: yes. Study: VKGL Data-share Consensus. Not counted in ClinVar's aggregate classification.